The following is an entry in ClinVar:

ClinVar aggregate classification (germline): Uncertain significance (1 of 4 stars; one submission).

Conditions:
Cardiomyopathy (CMYO). Also called: Cardiomyopathies. Identifiers: Orphanet 167848, MedGen C0878544, MONDO:0004994, HP:0001638. Inheritance: Various modes of inheritance.

gnomAD v4.1: 1 of 1,596,112 alleles (0.000063%); highest among the groups gnomAD compares: Non-Finnish European, 0.000085%; no homozygotes.

Submission:

Color Diagnostics, LLC DBA Color Health
Classification: Uncertain significance for Cardiomyopathy. Last evaluated: 2025-07-15. Review status: criteria provided, single submitter. Criteria: ACMG Guidelines, 2015. Collection method: clinical testing. Allele origin: germline.
Comment: This variant causes an A to G nucleotide substitution at the -12 position of intron 37 of the RYR2 gene. Splice site prediction tools suggest that this variant may have a significant impact on RNA splicing, although this prediction has not been confirmed in published RNA studies. This variant has not been reported in individuals affected with RYR2-related disorders in the literature. This variant has not been identified in the general population by the Genome Aggregation Database (gnomAD). Clinical relevance of loss-of-function RYR2 truncation and splice variants in autosomal dominant cardiovascular disorders is not clearly established. The available evidence is insufficient to determine the role of this variant in disease conclusively. Therefore, this variant is classified as a Variant of Uncertain Significance.

NM_001035.3(RYR2):c.5716-12A>G

Gene: RYR2 (ryanodine receptor 2; plus strand). Cytogenetic location: 1q43.
Variant type: single nucleotide variant.
Coding change: c.5716-12A>G on transcript NM_001035.3 (MANE Select); 12 bases into the intron before coding-DNA position 5716, A replaced by G.
Molecular consequence: intron variant.
Genome position (GRCh38, 1-based): chr1:237,617,274, A>G. VCF-style: chr1-237617274-A-G. GRCh37 (hg19) VCF-style: chr1-237780574-A-G.
Identifiers: ClinVar variation 4758922 (VCV004758922.1).